The following is an entry in ClinVar:

NM_000540.3(RYR1):c.5449del (p.Glu1817fs)

Gene: RYR1 (ryanodine receptor 1; plus strand). Cytogenetic location: 19q13.2.
Variant type: Deletion.
Coding change: c.5449del on transcript NM_000540.3 (MANE Select); coding-DNA position 5449, one base deleted (G; older notation c.5449delG).
Protein change: p.Glu1817fs; shifts the reading frame from glutamic acid 1817.
Molecular consequence: frameshift variant.
Genome position (GRCh38, 1-based): chr19:38,486,104, G deleted; the last of 5 consecutive G bases (chr19:38,486,100-38,486,104); deleting any one gives the same sequence. VCF-style (leftmost placement, unchanged base first): chr19-38486099-TG-T. GRCh37 (hg19) VCF-style: chr19-38976739-TG-T.
Other names: c.5449del, p.Glu1817fs (NM_001042723.2); short protein forms E1817fs.
Identifiers: ClinVar variation 1329885 (VCV001329885.4), dbSNP rs2145545066, ClinGen allele CA2573054753.
Genomic context (GRCh38, chr19:38,486,099, plus strand): 5'-CGGCCCGCCTCAGCCCTGCCATCCCGCTGGAGGCCCTGCGGGACAAGGCACTGAGGATGC[TG>T]GGGGAGGCGGTGCGCGACGGTGGGCAGCACGCTCGCGACCCCGTCGGGGGCTCCGTGGAG-3'

ClinVar aggregate classification (germline): Pathogenic/Likely pathogenic. Review status: criteria provided, multiple submitters, no conflicts (2 of 4 stars). 2 submissions from 2 submitters: Pathogenic (1); Likely pathogenic (1). Last evaluated 2024-03-01.

Conditions:
Centronuclear myopathy (CNM). Also called: Centronuclear myopathy, congenital; Myotubular myopathy. Identifiers: Orphanet 595, MedGen C0175709, MONDO:0018947. Inheritance: All.
RYR1-related disorder. Also called: RYR1-related condition; RYR1-related disorders. Identifiers: MedGen CN239331.

Submissions (2):

Muscle and Diseases Team, Institut de Génétique et Biologie Moléculaire et Cellulaire
Classification: Pathogenic for Centronuclear myopathy. Last evaluated: 2024-03-01. Review status: criteria provided, single submitter. Criteria: ACMG Guidelines, 2015. Collection method: research. Allele origin: unknown. Affected: yes. Observed: 1 variant allele.
Comment: PVS1+PM2+PP5

Institute of Human Genetics, University of Leipzig Medical Center
Classification: Likely pathogenic for RYR1-related disorder. Last evaluated: 2023-07-27. Review status: criteria provided, single submitter. Criteria: ACMG Guidelines, 2015. Collection method: clinical testing. Allele origin: unknown.
Comment: Criteria applied: PVS1, PM2_SUP

Literature cited by the submitters: DOI 10.1186/s13073-024-01353-0 (cited by Muscle and Diseases Team, Institut de Génétique et Biologie Moléculaire et Cellulaire).